The following is an entry in ClinVar:

NM_020699.4(GATAD2B):c.676C>T (p.Pro226Ser)

Gene: GATAD2B (GATA zinc finger domain containing 2B; minus strand). Cytogenetic location: 1q21.3.
Variant type: single nucleotide variant.
Coding change: c.676C>T on transcript NM_020699.4 (MANE Select); coding-DNA position 676, C replaced by T.
Protein change: p.Pro226Ser; replaces proline 226 with serine.
Molecular consequence: missense variant.
Genome position (GRCh38, 1-based): chr1:153,818,093, G>A on the plus strand (C>T on the coding strand, the complement: GATAD2B is on the minus strand). VCF-style: chr1-153818093-G-A. GRCh37 (hg19) VCF-style: chr1-153790569-G-A.
Other names: short protein forms P226S.
Identifiers: ClinVar variation 2626873 (VCV002626873.4), dbSNP rs115193744, ClinGen allele CA1120807.

ClinVar aggregate classification (germline): Conflicting classifications of pathogenicity. Review status: criteria provided, conflicting classifications (1 of 4 stars). 2 submissions from 2 submitters: Likely pathogenic (1); Uncertain significance (1). Last evaluated 2023-08-03.

Conditions:
Severe intellectual disability-poor language-strabismus-grimacing face-long fingers syndrome (GAND). Also called: GAND SYNDROME. Identifiers: Orphanet 363686, MedGen C3554448, MONDO:0014034, OMIM 615074.

Submissions (2):

Greenwood Genetic Center Diagnostic Laboratories, Greenwood Genetic Center
Classification: Likely pathogenic for Severe intellectual disability-poor language-strabismus-grimacing face-long fingers syndrome. Last evaluated: 2023-08-03. Review status: criteria provided, single submitter. Criteria: ACMG Guidelines, 2015. Collection method: clinical testing. Allele origin: germline. Affected: yes.
Comment: PS2, PM2, PP2

Labcorp Genetics (formerly Invitae), Labcorp
Classification: Uncertain significance. Last evaluated: 2023-07-25. Review status: criteria provided, single submitter. Criteria: Invitae Variant Classification Sherloc (09022015). Collection method: clinical testing. Allele origin: germline.
Comment: In summary, the available evidence is currently insufficient to determine the role of this variant in disease. Therefore, it has been classified as a Variant of Uncertain Significance. Advanced modeling of protein sequence and biophysical properties (such as structural, functional, and spatial information, amino acid conservation, physicochemical variation, residue mobility, and thermodynamic stability) performed at Invitae indicates that this missense variant is not expected to disrupt GATAD2B protein function. This variant has not been reported in the literature in individuals affected with GATAD2B-related conditions. This variant is present in population databases (rs115193744, gnomAD 0.0009%). This sequence change replaces proline, which is neutral and non-polar, with serine, which is neutral and polar, at codon 226 of the GATAD2B protein (p.Pro226Ser).